The following is an entry in ClinVar:

NM_000466.3(PEX1):c.2770dup (p.Asp924fs)

Gene: PEX1 (peroxisomal biogenesis factor 1; minus strand). Cytogenetic location: 7q21.2.
Variant type: Duplication.
Coding change: c.2770dup on transcript NM_000466.3 (MANE Select); coding-DNA position 2770, one base duplicated (G; older notation c.2770dupG).
Protein change: p.Asp924fs; shifts the reading frame from aspartic acid 924.
Molecular consequence: frameshift variant.
Genome position (GRCh38, 1-based): chr7:92,496,726, C duplicated on the plus strand (G on the coding strand, the reverse complement: PEX1 is on the minus strand); the first of 3 consecutive C bases (chr7:92,496,726-92,496,728); duplicating any one gives the same sequence. VCF-style (leftmost placement, unchanged base first): chr7-92496725-T-TC. GRCh37 (hg19) VCF-style: chr7-92126039-T-TC.
Other names: c.2599dup, p.Asp867fs (NM_001282677.2); c.2146dup, p.Asp716fs (NM_001282678.2); short protein forms D716fs, D867fs, D924fs.
Identifiers: ClinVar variation 1726168 (VCV001726168.3), dbSNP rs2484646305, ClinGen allele CA2580077820.

ClinVar aggregate classification (germline): Likely pathogenic (1 of 4 stars; one submission).

Conditions:
Peroxisome biogenesis disorder. Identifiers: Orphanet 79189, MedGen C1832200, MONDO:0019234. Disease mechanism: loss of function.

Submission:

Myriad Genetics, Inc.
Classification: Likely pathogenic for Peroxisome biogenesis disorder. Last evaluated: 2022-05-18. Review status: criteria provided, single submitter. Criteria: Myriad Autosomal Dominant, Autosomal Recessive and X-Linked Classification Criteria (2023). Collection method: clinical testing. Allele origin: unknown.
Comment: NM_000466.2(PEX1):c.2770dupG(D924Gfs*5) is expected to be pathogenic in the context of peroxisome biogenesis disorder type 1. This variant is predicted to lead to an abnormal or absent protein product due to the creation of a premature termination codon in PEX1, a gene where loss-of-function variants are known to be pathogenic. Please note: this variant was assessed in the context of healthy population screening.